The following is an entry in ClinVar:

NM_000059.4(BRCA2):c.9732C>T (p.Val3244=)

Gene: BRCA2 (BRCA2 DNA repair associated; plus strand). Cytogenetic location: 13q13.1.
Variant type: single nucleotide variant.
Coding change: c.9732C>T on transcript NM_000059.4 (MANE Select); coding-DNA position 9732, C replaced by T.
Protein change: p.Val3244=; no amino-acid change (valine 3244 retained).
Molecular consequence: synonymous variant. On other transcripts: non-coding transcript variant (1).
Genome position (GRCh38, 1-based): chr13:32,398,245, C>T. VCF-style: chr13-32398245-C-T. GRCh37 (hg19) VCF-style: chr13-32972382-C-T.
Other names: c.9636C>T, p.Val3212= (NM_001406719.1); c.9681C>T, p.Val3227= (NM_001406720.1); c.4800C>T, p.Val1600= (NM_001406721.1); c.3315C>T, p.Val1105= (NM_001406722.1).
Identifiers: ClinVar variation 1768026 (VCV001768026.7), dbSNP rs2137663318, ClinGen allele CA483439949.
Genomic context (GRCh38, chr13:32,398,245, plus strand): 5'-ATATTATCAAAGTCCTTTATCACTTTGTATGGCCAAAAGGAAGTCTGTTTCCACACCTGT[C>T]TCAGCCCAGATGACTTCAAAGTCTTGTAAAGGGGAGAAAGAGATTGATGACCAAAAGAAC-3'
Protein context (NP_000050.3, residues 3234-3254): MAKRKSVSTP[Val3244=]SAQMTSKSCK

ClinVar aggregate classification (germline): Conflicting classifications of pathogenicity. Review status: criteria provided, conflicting classifications (1 of 4 stars). 2 submissions from 2 submitters: Uncertain significance (1); Likely benign (1). Last evaluated 2022-04-04.

Conditions:
Hereditary cancer-predisposing syndrome. Also called: Hereditary Cancer Syndrome; Hereditary neoplastic syndrome; Neoplastic Syndromes, Hereditary; Tumor predisposition. Identifiers: Orphanet 140162, MedGen C0027672, MeSH D009386, MONDO:0015356.
Hereditary breast ovarian cancer syndrome. Also called: Hereditary breast and ovarian cancer; BRCA1- and BRCA2-Associated Hereditary Breast and Ovarian Cancer; Hereditary breast and ovarian cancer syndrome (HBOC); Hereditary breast and ovarian cancer syndrome; Breast and ovarian cancer; Hereditary breast and/or ovarian cancer syndrome. Identifiers: Orphanet 145, MedGen C0677776, MeSH D061325, MONDO:0003582. Disease mechanism: loss of function.

Submissions (2):

Labcorp Genetics (formerly Invitae), Labcorp
Classification: Uncertain significance for Hereditary breast ovarian cancer syndrome. Last evaluated: 2022-04-04. Review status: criteria provided, single submitter. Criteria: Invitae Variant Classification Sherloc (09022015). Collection method: clinical testing. Allele origin: germline.
Comment: In summary, the available evidence is currently insufficient to determine the role of this variant in disease. Therefore, it has been classified as a Variant of Uncertain Significance. This sequence change affects codon 3244 of the BRCA2 mRNA. It is a 'silent' change, meaning that it does not change the encoded amino acid sequence of the BRCA2 protein. This variant is not present in population databases (gnomAD no frequency). This variant has not been reported in the literature in individuals affected with BRCA2-related conditions. Algorithms developed to predict the effect of sequence changes on RNA splicing suggest that this variant may create or strengthen a splice site.

Ambry Genetics
Classification: Likely benign for Hereditary cancer-predisposing syndrome. Last evaluated: 2021-10-08. Review status: criteria provided, single submitter. Criteria: Ambry Variant Classification Scheme 2023. Collection method: clinical testing. Allele origin: germline.